The following is an entry in ClinVar:

NM_017780.4(CHD7):c.7511A>G (p.Asp2504Gly)

Gene: CHD7 (chromodomain helicase DNA binding protein 7; plus strand). Cytogenetic location: 8q12.2.
Variant type: single nucleotide variant.
Coding change: c.7511A>G on transcript NM_017780.4 (MANE Select); coding-DNA position 7511, A replaced by G.
Protein change: p.Asp2504Gly; replaces aspartic acid 2504 with glycine.
Molecular consequence: missense variant. On other transcripts: intron variant (1).
Genome position (GRCh38, 1-based): chr8:60,856,791, A>G. VCF-style: chr8-60856791-A-G. GRCh37 (hg19) VCF-style: chr8-61769350-A-G.
Other names: c.1717-5438A>G (NM_001316690.1); short protein forms D2504G.
Identifiers: ClinVar variation 4765802 (VCV004765802.1).

ClinVar aggregate classification (germline): Uncertain significance (1 of 4 stars; one submission).

Conditions:
CHARGE syndrome (CHARGE). Also called: Hittner Hirsch Kreh syndrome; CHARGE ASSOCIATION--COLOBOMA, HEART ANOMALY, CHOANAL ATRESIA, RETARDATION, GENITAL AND EAR ANOMALIES; Coloboma, heart anomaly, choanal atresia, retardation, genital and ear anomalies; CHARGE association; Hall-Hittner syndrome. Identifiers: Orphanet 138, MedGen C0265354, MONDO:0008965.

gnomAD v4.1: 1 of 1,610,430 alleles (0.000062%); highest among the groups gnomAD compares: African/African-American, 0.0013%; no homozygotes.

Submission:

Labcorp Genetics (formerly Invitae), Labcorp
Classification: Uncertain significance for CHARGE syndrome. Last evaluated: 2025-06-23. Review status: criteria provided, single submitter. Criteria: Invitae Variant Classification Sherloc (09022015). Collection method: clinical testing. Allele origin: germline.
Comment: This sequence change replaces aspartic acid, which is acidic and polar, with glycine, which is neutral and non-polar, at codon 2504 of the CHD7 protein (p.Asp2504Gly). This variant is not present in population databases (gnomAD no frequency). This variant has not been reported in the literature in individuals affected with CHD7-related conditions. Invitae Evidence Modeling of protein sequence and biophysical properties (such as structural, functional, and spatial information, amino acid conservation, physicochemical variation, residue mobility, and thermodynamic stability) indicates that this missense variant is not expected to disrupt CHD7 protein function with a negative predictive value of 95%. In summary, the available evidence is currently insufficient to determine the role of this variant in disease. Therefore, it has been classified as a Variant of Uncertain Significance.